The following is an entry in ClinVar:

NC_000016.9:g.(?_68771318)_(68772315_?)del

Gene: CDH1 (cadherin 1; plus strand). Cytogenetic location: 16q22.1.
Variant type: Deletion.
Identifiers: ClinVar variation 4526425 (VCV004526425.1).

ClinVar aggregate classification (germline): Likely pathogenic (1 of 4 stars; one submission).

Conditions:
Hereditary breast ovarian cancer syndrome. Also called: Hereditary breast and ovarian cancer syndrome; BRCA1- and BRCA2-Associated Hereditary Breast and Ovarian Cancer; Hereditary breast and ovarian cancer; Hereditary breast and ovarian cancer syndrome (HBOC); Breast and ovarian cancer; Hereditary breast and/or ovarian cancer syndrome. Identifiers: Orphanet 145, MedGen C0677776, MeSH D061325, MONDO:0003582. Disease mechanism: loss of function.

Submission:

Genetics and Personalized Medicine Clinic, Tartu University Hospital
Classification: Likely pathogenic for Hereditary breast ovarian cancer syndrome. Last evaluated: 2020-05-25. Review status: criteria provided, single submitter. Criteria: ACMG Guidelines, 2015. Collection method: clinical testing. Allele origin: germline. Affected: yes. Observed: 1 variant allele.
Comment: This deletion likely disrupts the TSC2 gene, resulting in loss of normal protein function. Loss-of-function variants in TSC2 are a recognized cause of Tuberous Sclerosis Complex, and large exon-spanning deletions are generally classified as pathogenic under ACMG criteria.